The following is an entry in ClinVar:

ClinVar aggregate classification (germline): Benign/Likely benign. Review status: criteria provided, multiple submitters, no conflicts (2 of 4 stars). 4 submissions from 4 submitters: Benign (2); Likely benign (1). 1 of the submissions does not count toward it. Last evaluated 2026-06-01.

Conditions:
NBEAL2-related disorder. Also called: NBEAL2-related condition.
Gray platelet syndrome (GPS). Also called: BLEEDING DISORDER, PLATELET-TYPE, 4. Identifiers: Orphanet 721, MedGen C0272302, MONDO:0007686, OMIM 139090.

Allele frequency attached by ClinVar (database versions not stated): 1000 Genomes Project 0.00020; gnomAD 0.00030 and 0.00031; 1000 Genomes Project 30x 0.00031; gnomAD exomes 0.00038 and 0.00202; TOPMed 0.00101; ExAC 0.00151.
gnomAD v4.1: 580 of 1,599,878 alleles (0.036%); highest among the groups gnomAD compares: Admixed American, 0.96%; 5 homozygotes.

Submissions (4):

CeGaT Center for Human Genetics Tuebingen
Classification: Likely benign. Last evaluated: 2026-06-01. Review status: criteria provided, single submitter. Criteria: CeGaT Center For Human Genetics Tuebingen Variant Classification Criteria Version 2. Collection method: clinical testing. Allele origin: germline. Affected: yes. Observed: 1 variant allele.
Comment: NBEAL2: BP4

Labcorp Genetics (formerly Invitae), Labcorp
Classification: Benign. Last evaluated: 2026-01-25. Review status: criteria provided, single submitter. Criteria: Invitae Variant Classification Sherloc (09022015). Collection method: clinical testing. Allele origin: germline.

Illumina Laboratory Services, Illumina
Classification: Benign for Gray platelet syndrome. Last evaluated: 2018-01-12. Review status: criteria provided, single submitter. Criteria: ICSL Variant Classification Criteria 13 December 2019. Collection method: clinical testing. Allele origin: germline.
Comment: This variant was observed in the ICSL laboratory as part of a predisposition screen in an ostensibly healthy population. It had not been previously curated by ICSL or reported in the Human Gene Mutation Database (HGMD: prior to June 1st, 2018), and was therefore a candidate for classification through an automated scoring system. Utilizing variant allele frequency, disease prevalence and penetrance estimates, and inheritance mode, an automated score was calculated to assess if this variant is too frequent to cause the disease. Based on the score and internal cut-off values, a variant classified as benign is not then subjected to further curation. The score for this variant resulted in a classification of benign for this disease.

PreventionGenetics, part of Exact Sciences
Classification: Benign for NBEAL2-related condition. Last evaluated: 2019-06-25. Review status: no assertion criteria provided. Collection method: clinical testing. Allele origin: germline. Not counted in ClinVar's aggregate classification.
Comment: This variant is classified as benign based on ACMG/AMP sequence variant interpretation guidelines (Richards et al. 2015 PMID: 25741868, with internal and published modifications).

NM_015175.3(NBEAL2):c.860A>C (p.Asp287Ala)

Gene: NBEAL2 (neurobeachin like 2; plus strand). Cytogenetic location: 3p21.31.
Variant type: single nucleotide variant.
Coding change: c.860A>C on transcript NM_015175.3 (MANE Select); coding-DNA position 860, A replaced by C.
Protein change: p.Asp287Ala; replaces aspartic acid 287 with alanine.
Molecular consequence: missense variant.
Genome position (GRCh38, 1-based): chr3:46,991,623, A>C. VCF-style: chr3-46991623-A-C. GRCh37 (hg19) VCF-style: chr3-47033113-A-C.
Other names: c.839A>C, p.Asp280Ala (NM_001365116.2); short protein forms D280A, D287A.
Identifiers: ClinVar variation 783307 (VCV000783307.13), dbSNP rs200666191, ClinGen allele CA2360215.
Genomic context (GRCh38, chr3:46,991,623, plus strand): 5'-CTCCTCGTGGCCCAGAGCTTCGTGCCCTGCTTGAGAGCTACTTCCATGTCCTTAATGCTG[A>C]CTGGCCAGCTGGTCTGAGCTCAGGCCCCGAAGAGGCCCTTGTCACCCTCCGGGTCAGCAT-3'
Protein context (NP_055990.1, residues 277-297): LESYFHVLNA[Asp287Ala]WPAGLSSGPE